The following is an entry in ClinVar:

ClinVar aggregate classification (germline): Uncertain significance. Review status: criteria provided, multiple submitters, no conflicts (2 of 4 stars). 2 submissions from 2 submitters: Uncertain significance (2). Last evaluated 2025-05-19.

Conditions:
Hereditary cancer-predisposing syndrome. Also called: Neoplastic Syndromes, Hereditary; Tumor predisposition; Hereditary neoplastic syndrome; Hereditary Cancer Syndrome. Identifiers: Orphanet 140162, MedGen C0027672, MeSH D009386, MONDO:0015356.
Cardiovascular phenotype. Identifiers: MedGen CN230736.

Allele frequency attached by ClinVar (database versions not stated): gnomAD exomes below 0.00001.
gnomAD v4.1: 1 of 1,612,500 alleles (0.000062%); highest among the groups gnomAD compares: Non-Finnish European, 0.000085%; no homozygotes.

Submissions (2):

Labcorp Genetics (formerly Invitae), Labcorp
Classification: Uncertain significance. Last evaluated: 2025-05-19. Review status: criteria provided, single submitter. Criteria: Invitae Variant Classification Sherloc (09022015). Collection method: clinical testing. Allele origin: germline.
Comment: This sequence change replaces leucine, which is neutral and non-polar, with proline, which is neutral and non-polar, at codon 449 of the LZTR1 protein (p.Leu449Pro). This variant is not present in population databases (gnomAD no frequency). This variant has not been reported in the literature in individuals affected with LZTR1-related conditions. ClinVar contains an entry for this variant (Variation ID: 3238063). Invitae Evidence Modeling of protein sequence and biophysical properties (such as structural, functional, and spatial information, amino acid conservation, physicochemical variation, residue mobility, and thermodynamic stability) indicates that this missense variant is not expected to disrupt LZTR1 protein function with a negative predictive value of 80%. In summary, the available evidence is currently insufficient to determine the role of this variant in disease. Therefore, it has been classified as a Variant of Uncertain Significance.

Ambry Genetics
Classification: Uncertain significance for Cardiovascular phenotype; Hereditary cancer-predisposing syndrome. Last evaluated: 2024-02-10. Review status: criteria provided, single submitter. Criteria: Ambry Variant Classification Scheme 2023. Collection method: clinical testing. Allele origin: germline.
Comment: The p.L449P variant (also known as c.1346T>C), located in coding exon 12 of the LZTR1 gene, results from a T to C substitution at nucleotide position 1346. The leucine at codon 449 is replaced by proline, an amino acid with similar properties. This amino acid position is conserved. In addition, this alteration is predicted to be deleterious by in silico analysis. Based on the available evidence, the clinical significance of this alteration remains unclear.

NM_006767.4(LZTR1):c.1346T>C (p.Leu449Pro)

Gene: LZTR1 (leucine zipper like post translational regulator 1; plus strand). Cytogenetic location: 22q11.21.
Variant type: single nucleotide variant.
Coding change: c.1346T>C on transcript NM_006767.4 (MANE Select); coding-DNA position 1346, T replaced by C.
Protein change: p.Leu449Pro; replaces leucine 449 with proline.
Molecular consequence: missense variant.
Genome position (GRCh38, 1-based): chr22:20,993,747, T>C. VCF-style: chr22-20993747-T-C. GRCh37 (hg19) VCF-style: chr22-21348036-T-C.
Other names: short protein forms L449P.
Identifiers: ClinVar variation 3238063 (VCV003238063.3), dbSNP rs1337420891.
Genomic context (GRCh38, chr22:20,993,747, plus strand): 5'-TGCACGAGGACTACGGGCGGCTGTGGGAGAGCCGCCAGTTCTGCGACGTGGAGTTCGTGC[T>C]GGGTGAGGTGGGTGCCTGTCCTCGCACCCTGCTCTGCCTGCTGTGCCTGGGCAGTGGGAA-3'
Protein context (NP_006758.2, residues 439-459): SRQFCDVEFV[Leu449Pro]GEKEECVQGH